The following is an entry in ClinVar:

NM_020831.6(MRTFA):c.1481C>A (p.Pro494His)

Gene: MRTFA (myocardin related transcription factor A; minus strand). Cytogenetic location: 22q13.1.
Variant type: single nucleotide variant.
Coding change: c.1481C>A on transcript NM_020831.6 (MANE Select); coding-DNA position 1481, C replaced by A.
Protein change: p.Pro494His; replaces proline 494 with histidine.
Molecular consequence: missense variant.
Genome position (GRCh38, 1-based): chr22:40,419,257, G>T on the plus strand (C>A on the coding strand, the complement: MRTFA is on the minus strand). VCF-style: chr22-40419257-G-T. GRCh37 (hg19) VCF-style: chr22-40815261-G-T.
Other names: c.1181C>A, p.Pro394His (NM_001282660.2); c.1331C>A, p.Pro444His (NM_001282661.3); c.1481C>A, p.Pro494His (NM_001282662.3); c.1286C>A, p.Pro429His (NM_001318139.2); short protein forms P394H, P444H, P494H, P429H.
Identifiers: ClinVar variation 4767767 (VCV004767767.1).

ClinVar aggregate classification (germline): Uncertain significance (1 of 4 stars; one submission).

Submission:

Labcorp Genetics (formerly Invitae), Labcorp
Classification: Uncertain significance. Last evaluated: 2025-06-17. Review status: criteria provided, single submitter. Criteria: Invitae Variant Classification Sherloc (09022015). Collection method: clinical testing. Allele origin: germline.
Comment: This sequence change replaces proline, which is neutral and non-polar, with histidine, which is basic and polar, at codon 394 of the MKL1 protein (p.Pro394His). This variant is not present in population databases (gnomAD no frequency). This variant has not been reported in the literature in individuals affected with MKL1-related conditions. An algorithm developed to predict the effect of missense changes on protein structure and function (PolyPhen-2) suggests that this variant is likely to be disruptive. In summary, the available evidence is currently insufficient to determine the role of this variant in disease. Therefore, it has been classified as a Variant of Uncertain Significance.